The following is an entry in ClinVar:

ClinVar aggregate classification (germline): Uncertain significance (1 of 4 stars; one submission).

Allele frequency attached by ClinVar (database versions not stated): gnomAD exomes below 0.00001.
gnomAD v4.1: 1 of 1,552,244 alleles (0.000064%); highest among the groups gnomAD compares: Non-Finnish European, 0.000087%; no homozygotes.

Submission:

Labcorp Genetics (formerly Invitae), Labcorp
Classification: Uncertain significance. Last evaluated: 2021-04-23. Review status: criteria provided, single submitter. Criteria: Invitae Variant Classification Sherloc (09022015). Collection method: clinical testing. Allele origin: germline.
Comment: In summary, the available evidence is currently insufficient to determine the role of this variant in disease. Therefore, it has been classified as a Variant of Uncertain Significance. Algorithms developed to predict the effect of missense changes on protein structure and function are either unavailable or do not agree on the potential impact of this missense change (SIFT: "Not Available"; PolyPhen-2: "Probably Damaging"; Align-GVGD: "Not Available"). This variant has not been reported in the literature in individuals with MYO18B-related conditions. This variant is not present in population databases (ExAC no frequency). This sequence change replaces aspartic acid with valine at codon 549 of the MYO18B protein (p.Asp549Val). The aspartic acid residue is moderately conserved and there is a large physicochemical difference between aspartic acid and valine.

NM_032608.7(MYO18B):c.1646A>T (p.Asp549Val)

Gene: MYO18B (myosin XVIIIB; plus strand). Cytogenetic location: 22q12.1.
Variant type: single nucleotide variant.
Coding change: c.1646A>T on transcript NM_032608.7 (MANE Select); coding-DNA position 1646, A replaced by T.
Protein change: p.Asp549Val; replaces aspartic acid 549 with valine.
Molecular consequence: missense variant.
Genome position (GRCh38, 1-based): chr22:25,770,938, A>T. VCF-style: chr22-25770938-A-T. GRCh37 (hg19) VCF-style: chr22-26166905-A-T.
Other names: c.1646A>T, p.Asp549Val (NM_001318245.2); short protein forms D549V.
Identifiers: ClinVar variation 1389744 (VCV001389744.6), dbSNP rs2145600405, ClinGen allele CA411005677.